The following is an entry in ClinVar:

NM_001375567.1(FOCAD):c.2026T>G (p.Ser676Ala)

Gene: FOCAD (focadhesin; plus strand). Cytogenetic location: 9p21.3.
Variant type: single nucleotide variant.
Coding change: c.2026T>G on transcript NM_001375567.1 (MANE Select); coding-DNA position 2026, T replaced by G.
Protein change: p.Ser676Ala; replaces serine 676 with alanine.
Molecular consequence: missense variant.
Genome position (GRCh38, 1-based): chr9:20,862,683, T>G. VCF-style: chr9-20862683-T-G. GRCh37 (hg19) VCF-style: chr9-20862682-T-G.
Other names: c.1921T>G, p.Ser641Ala (NM_001375568.1, NM_001375570.1); c.2026T>G, p.Ser676Ala (NM_017794.5); short protein forms S641A, S676A.
Identifiers: ClinVar variation 4026104 (VCV004026104.2).

ClinVar aggregate classification (germline): Uncertain significance. Review status: criteria provided, multiple submitters, no conflicts (2 of 4 stars). 2 submissions from 2 submitters: Uncertain significance (2). Last evaluated 2025-07-16.

Conditions:
Inborn genetic diseases. Identifiers: MedGen C0950123, MeSH D030342.

gnomAD v4.1: 32 of 1,612,946 alleles (0.002%); highest among the groups gnomAD compares: Non-Finnish European, 0.0027%; no homozygotes.

Submissions (2):

Labcorp Genetics (formerly Invitae), Labcorp
Classification: Uncertain significance. Last evaluated: 2025-07-16. Review status: criteria provided, single submitter. Criteria: Invitae Variant Classification Sherloc (09022015). Collection method: clinical testing. Allele origin: germline.
Comment: This sequence change replaces serine, which is neutral and polar, with alanine, which is neutral and non-polar, at codon 676 of the FOCAD protein (p.Ser676Ala). This variant is present in population databases (rs530069272, gnomAD 0.006%). This variant has not been reported in the literature in individuals affected with FOCAD-related conditions. Experimental studies and prediction algorithms are not available or were not evaluated, and the functional significance of this variant is currently unknown. In summary, the available evidence is currently insufficient to determine the role of this variant in disease. Therefore, it has been classified as a Variant of Uncertain Significance.

Ambry Genetics
Classification: Uncertain significance for Inborn genetic diseases. Last evaluated: 2025-05-16. Review status: criteria provided, single submitter. Criteria: Ambry Variant Classification Scheme 2023. Collection method: clinical testing. Allele origin: germline.